The following is an entry in ClinVar:

ClinVar aggregate classification (germline): Uncertain significance (1 of 4 stars; one submission).

Submission:

Labcorp Genetics (formerly Invitae), Labcorp
Classification: Uncertain significance. Last evaluated: 2023-11-22. Review status: criteria provided, single submitter. Criteria: Invitae Variant Classification Sherloc (09022015). Collection method: clinical testing. Allele origin: germline.
Comment: This sequence change replaces serine, which is neutral and polar, with cysteine, which is neutral and slightly polar, at codon 1820 of the CACNA1D protein (p.Ser1820Cys). This variant is not present in population databases (gnomAD no frequency). This variant has not been reported in the literature in individuals affected with CACNA1D-related conditions. An algorithm developed to predict the effect of missense changes on protein structure and function (PolyPhen-2) suggests that this variant is likely to be disruptive. In summary, the available evidence is currently insufficient to determine the role of this variant in disease. Therefore, it has been classified as a Variant of Uncertain Significance.

NM_001128840.3(CACNA1D):c.5398A>T (p.Ser1800Cys)

Gene: CACNA1D (calcium voltage-gated channel subunit alpha1 D; plus strand). Cytogenetic location: 3p21.1.
Variant type: single nucleotide variant.
Coding change: c.5398A>T on transcript NM_001128840.3 (MANE Select); coding-DNA position 5398, A replaced by T.
Protein change: p.Ser1800Cys; replaces serine 1800 with cysteine.
Molecular consequence: missense variant.
Genome position (GRCh38, 1-based): chr3:53,801,415, A>T. VCF-style: chr3-53801415-A-T. GRCh37 (hg19) VCF-style: chr3-53835442-A-T.
Other names: c.5458A>T, p.Ser1820Cys (NM_000720.4); c.5353A>T, p.Ser1785Cys (NM_001128839.3); short protein forms S1785C, S1800C, S1820C.
Identifiers: ClinVar variation 2695865 (VCV002695865.3), dbSNP rs2095535104, ClinGen allele CA353251858.